The following is an entry in ClinVar:

ClinVar aggregate classification (germline): Uncertain significance (1 of 4 stars; one submission).

Conditions:
Inborn genetic diseases. Identifiers: MedGen C0950123, MeSH D030342.

Submission:

Ambry Genetics
Classification: Uncertain significance for Inborn genetic diseases. Last evaluated: 2025-03-03. Review status: criteria provided, single submitter. Criteria: Ambry Variant Classification Scheme 2023. Collection method: clinical testing. Allele origin: germline.
Comment: The p.P806L variant (also known as c.2417C>T), located in coding exon 20 of the KDM1A gene, results from a C to T substitution at nucleotide position 2417. The proline at codon 806 is replaced by leucine, an amino acid with similar properties. This amino acid position is conserved. In addition, the in silico prediction for this alteration is inconclusive. Based on the available evidence, the clinical significance of this variant remains unclear.

NM_001009999.3(KDM1A):c.2417C>T (p.Pro806Leu)

Gene: KDM1A (lysine demethylase 1A; plus strand). Cytogenetic location: 1p36.12.
Variant type: single nucleotide variant.
Coding change: c.2417C>T on transcript NM_001009999.3 (MANE Select); coding-DNA position 2417, C replaced by T.
Protein change: p.Pro806Leu; replaces proline 806 with leucine.
Molecular consequence: missense variant.
Genome position (GRCh38, 1-based): chr1:23,082,338, C>T. VCF-style: chr1-23082338-C-T. GRCh37 (hg19) VCF-style: chr1-23408831-C-T.
Other names: c.2363C>T, p.Pro788Leu (NM_001363654.2); c.2423C>T, p.Pro808Leu (NM_001410762.1); c.2345C>T, p.Pro782Leu (NM_001410763.1, NM_015013.4); short protein forms P782L, P806L, P808L, P788L.
Identifiers: ClinVar variation 3863360 (VCV003863360.1).